The following is an entry in ClinVar:

ClinVar aggregate classification (germline): Conflicting classifications of pathogenicity. Review status: criteria provided, conflicting classifications (1 of 4 stars). 4 submissions from 4 submitters: Uncertain significance (3); Likely benign (1). Last evaluated 2023-07-27.

Conditions:
Hereditary breast ovarian cancer syndrome. Also called: Hereditary breast and ovarian cancer; Hereditary breast and/or ovarian cancer syndrome; BRCA1- and BRCA2-Associated Hereditary Breast and Ovarian Cancer; Hereditary breast and ovarian cancer syndrome; Hereditary breast and ovarian cancer syndrome (HBOC); Breast and ovarian cancer. Identifiers: Orphanet 145, MedGen C0677776, MeSH D061325, MONDO:0003582. Disease mechanism: loss of function.
Hereditary cancer-predisposing syndrome. Also called: Tumor predisposition; Hereditary Cancer Syndrome; Hereditary neoplastic syndrome; Neoplastic Syndromes, Hereditary. Identifiers: Orphanet 140162, MedGen C0027672, MeSH D009386, MONDO:0015356.

Submissions (4):

Ambry Genetics
Classification: Uncertain significance for Hereditary cancer-predisposing syndrome. Last evaluated: 2023-07-27. Review status: criteria provided, single submitter. Criteria: Ambry Variant Classification Scheme 2023. Collection method: clinical testing. Allele origin: germline.
Comment: The p.A1922S variant (also known as c.5764G>T), located in coding exon 10 of the BRCA2 gene, results from a G to T substitution at nucleotide position 5764. The alanine at codon 1922 is replaced by serine, an amino acid with similar properties. This amino acid position is conserved. In addition, this alteration is predicted to be tolerated by in silico analysis. Since supporting evidence is limited at this time, the clinical significance of this alteration remains unclear.

University of Washington Department of Laboratory Medicine, University of Washington
Classification: Likely benign for Hereditary cancer-predisposing syndrome. Last evaluated: 2023-03-23. Review status: criteria provided, single submitter. Criteria: Dines et al. (Genet Med. 2020). Collection method: curation. Allele origin: germline.
Comment: Missense variant in a coldspot region where missense variants are very unlikely to be pathogenic (PMID:31911673).

BRCA2 exon 11 coldspot. Reclassification based on statistical prior probability.

Quest Diagnostics Nichols Institute San Juan Capistrano
Classification: Uncertain significance. Last evaluated: 2023-03-08. Review status: criteria provided, single submitter. Criteria: Quest Diagnostics criteria. Collection method: clinical testing. Allele origin: unknown.
Comment: The variant has not been reported in the published literature. It also has not been reported in large, multi-ethnic general populations. Analysis of this variant using bioinformatics tools for the prediction of the effect of amino acid changes on protein structure and function yielded predictions that this variant is benign. Based on the available information, we are unable to determine the clinical significance of this variant.

Labcorp Genetics (formerly Invitae), Labcorp
Classification: Uncertain significance for Hereditary breast ovarian cancer syndrome. Last evaluated: 2022-02-20. Review status: criteria provided, single submitter. Criteria: Invitae Variant Classification Sherloc (09022015). Collection method: clinical testing. Allele origin: germline.
Comment: This sequence change replaces alanine, which is neutral and non-polar, with serine, which is neutral and polar, at codon 1922 of the BRCA2 protein (p.Ala1922Ser). This variant is not present in population databases (gnomAD no frequency). This variant has not been reported in the literature in individuals affected with BRCA2-related conditions. ClinVar contains an entry for this variant (Variation ID: 409537). Advanced modeling of protein sequence and biophysical properties (such as structural, functional, and spatial information, amino acid conservation, physicochemical variation, residue mobility, and thermodynamic stability) performed at Invitae indicates that this missense variant is not expected to disrupt BRCA2 protein function. In summary, the available evidence is currently insufficient to determine the role of this variant in disease. Therefore, it has been classified as a Variant of Uncertain Significance.

NM_000059.4(BRCA2):c.5764G>T (p.Ala1922Ser)

Gene: BRCA2 (BRCA2 DNA repair associated; plus strand). Cytogenetic location: 13q13.1.
Variant type: single nucleotide variant.
Coding change: c.5764G>T on transcript NM_000059.4 (MANE Select); coding-DNA position 5764, G replaced by T.
Protein change: p.Ala1922Ser; replaces alanine 1922 with serine.
Molecular consequence: missense variant.
Genome position (GRCh38, 1-based): chr13:32,340,119, G>T. VCF-style: chr13-32340119-G-T. GRCh37 (hg19) VCF-style: chr13-32914256-G-T.
Other names: short protein forms A1922S.
Identifiers: ClinVar variation 409537 (VCV000409537.11), dbSNP rs397507361, ClinGen allele CA16614327.